The following is an entry in ClinVar:

NM_000256.3(MYBPC3):c.989del (p.Pro330fs)

Gene: MYBPC3 (myosin binding protein C3; minus strand). Cytogenetic location: 11p11.2.
Variant type: Deletion.
Coding change: c.989del on transcript NM_000256.3 (MANE Select); coding-DNA position 989, one base deleted (C; older notation c.989delC).
Protein change: p.Pro330fs; shifts the reading frame from proline 330.
Molecular consequence: frameshift variant.
Genome position (GRCh38, 1-based): chr11:47,346,308, G deleted on the plus strand (C on the coding strand, the reverse complement: MYBPC3 is on the minus strand); the first of 5 consecutive G bases (chr11:47,346,308-47,346,312); deleting any one gives the same sequence. VCF-style (leftmost placement, unchanged base first): chr11-47346307-TG-T. GRCh37 (hg19) VCF-style: chr11-47367858-TG-T.
Other names: short protein forms P330fs.
Identifiers: ClinVar variation 2735600 (VCV002735600.3), dbSNP rs2495771043, ClinGen allele CA2573051156.

ClinVar aggregate classification (germline): Pathogenic (1 of 4 stars; one submission).

Conditions:
Hypertrophic cardiomyopathy. Also called: HYPERTROPHIC MYOCARDIOPATHY. Identifiers: Orphanet 217569, MedGen C0007194, MeSH D002312, MONDO:0005045, HP:0001639.

Submission:

Labcorp Genetics (formerly Invitae), Labcorp
Classification: Pathogenic for Hypertrophic cardiomyopathy. Last evaluated: 2023-07-22. Review status: criteria provided, single submitter. Criteria: Invitae Variant Classification Sherloc (09022015). Collection method: clinical testing. Allele origin: germline.
Comment: This sequence change creates a premature translational stop signal (p.Pro330Hisfs*20) in the MYBPC3 gene. It is expected to result in an absent or disrupted protein product. Loss-of-function variants in MYBPC3 are known to be pathogenic (PMID: 19574547). For these reasons, this variant has been classified as Pathogenic. This premature translational stop signal has been observed in individual(s) with hypertrophic cardiomyopathy (PMID: 22115648, 26090888). This variant is not present in population databases (gnomAD no frequency).

Literature cited by the submitters: PubMed 19574547; PubMed 22115648; PubMed 26090888.